The following is an entry in ClinVar:

NM_006514.4(SCN10A):c.4087G>A (p.Val1363Met)

Gene: SCN10A (sodium voltage-gated channel alpha subunit 10; minus strand). Cytogenetic location: 3p22.2.
Variant type: single nucleotide variant.
Coding change: c.4087G>A on transcript NM_006514.4 (MANE Select); coding-DNA position 4087, G replaced by A.
Protein change: p.Val1363Met; replaces valine 1363 with methionine.
Molecular consequence: missense variant.
Genome position (GRCh38, 1-based): chr3:38,712,163, C>T on the plus strand (G>A on the coding strand, the complement: SCN10A is on the minus strand). VCF-style: chr3-38712163-C-T. GRCh37 (hg19) VCF-style: chr3-38753654-C-T.
Other names: c.4084G>A, p.Val1362Met (NM_001293306.2); c.3793G>A, p.Val1265Met (NM_001293307.2); short protein forms V1265M, V1363M, V1362M.
Identifiers: ClinVar variation 1961434 (VCV001961434.5), dbSNP rs2470601423, ClinGen allele CA352150446.

ClinVar aggregate classification (germline): Uncertain significance (1 of 4 stars; one submission).

Conditions:
Brugada syndrome. Also called: Sudden unexpected nocturnal death syndrome; Sudden unexplained nocturnal death syndrome; Sudden Unexplained Death Syndrome; Sudden Unexplained Nocturnal Death Syndrome (SUNDS). Identifiers: Orphanet 130, MedGen C1142166, MONDO:0015263.

Allele frequency attached by ClinVar (database versions not stated): gnomAD exomes below 0.00001.
gnomAD v4.1: 1 of 1,613,644 alleles (0.000062%); highest among the groups gnomAD compares: Non-Finnish European, 0.000085%; no homozygotes.

Submission:

Labcorp Genetics (formerly Invitae), Labcorp
Classification: Uncertain significance for Brugada syndrome. Last evaluated: 2021-12-09. Review status: criteria provided, single submitter. Criteria: Invitae Variant Classification Sherloc (09022015). Collection method: clinical testing. Allele origin: germline.
Comment: Algorithms developed to predict the effect of missense changes on protein structure and function are either unavailable or do not agree on the potential impact of this missense change (SIFT: "Deleterious"; PolyPhen-2: "Probably Damaging"; Align-GVGD: "Class C0"). In summary, the available evidence is currently insufficient to determine the role of this variant in disease. Therefore, it has been classified as a Variant of Uncertain Significance. This variant has not been reported in the literature in individuals affected with SCN10A-related conditions. This variant is not present in population databases (gnomAD no frequency). This sequence change replaces valine, which is neutral and non-polar, with methionine, which is neutral and non-polar, at codon 1363 of the SCN10A protein (p.Val1363Met).